The following is an entry in ClinVar:

NM_005045.4(RELN):c.7821C>G (p.Asn2607Lys)

Gene: RELN (reelin; minus strand). Cytogenetic location: 7q22.1.
Variant type: single nucleotide variant.
Coding change: c.7821C>G on transcript NM_005045.4 (MANE Select); coding-DNA position 7821, C replaced by G.
Protein change: p.Asn2607Lys; replaces asparagine 2607 with lysine.
Molecular consequence: missense variant.
Genome position (GRCh38, 1-based): chr7:103,519,364, G>C on the plus strand (C>G on the coding strand, the complement: RELN is on the minus strand). VCF-style: chr7-103519364-G-C. GRCh37 (hg19) VCF-style: chr7-103159811-G-C.
Other names: c.7821C>G, p.Asn2607Lys (NM_173054.3); short protein forms N2607K.
Identifiers: ClinVar variation 1970348 (VCV001970348.5), dbSNP rs772869992, ClinGen allele CA368764796.

ClinVar aggregate classification (germline): Uncertain significance (1 of 4 stars; one submission).

Conditions:
Norman-Roberts syndrome (LIS2). Also called: Lissencephaly 2 (Norman-Roberts type). Identifiers: Orphanet 89844, MedGen C0796089, MONDO:0009760, OMIM 257320.
Familial temporal lobe epilepsy 7. Identifiers: Orphanet 101046, MedGen C4225327, MONDO:0014639, OMIM 616436.

Allele frequency attached by ClinVar (database versions not stated): TOPMed below 0.00001.
gnomAD v4.1: 3 of 1,614,052 alleles (0.00019%); highest among the groups gnomAD compares: Admixed American, 0.0017%; no homozygotes.

Submission:

Labcorp Genetics (formerly Invitae), Labcorp
Classification: Uncertain significance for Familial temporal lobe epilepsy 7; Norman-Roberts syndrome. Last evaluated: 2022-09-09. Review status: criteria provided, single submitter. Criteria: Invitae Variant Classification Sherloc (09022015). Collection method: clinical testing. Allele origin: germline.
Comment: In summary, the available evidence is currently insufficient to determine the role of this variant in disease. Therefore, it has been classified as a Variant of Uncertain Significance. Advanced modeling of protein sequence and biophysical properties (such as structural, functional, and spatial information, amino acid conservation, physicochemical variation, residue mobility, and thermodynamic stability) performed at Invitae indicates that this missense variant is not expected to disrupt RELN protein function. This variant has not been reported in the literature in individuals affected with RELN-related conditions. This variant is present in population databases (no rsID available, gnomAD 0.003%). This sequence change replaces asparagine, which is neutral and polar, with lysine, which is basic and polar, at codon 2607 of the RELN protein (p.Asn2607Lys).